The following is an entry in ClinVar:

NM_001061.7(TBXAS1):c.1543G>A (p.Glu515Lys)

Gene: TBXAS1 (thromboxane A synthase 1; plus strand). Cytogenetic location: 7q34.
Variant type: single nucleotide variant.
Coding change: c.1543G>A on transcript NM_001061.7 (MANE Select); coding-DNA position 1543, G replaced by A.
Protein change: p.Glu515Lys; replaces glutamic acid 515 with lysine.
Molecular consequence: missense variant. On other transcripts: synonymous variant (1).
Genome position (GRCh38, 1-based): chr7:140,020,040, G>A. VCF-style: chr7-140020040-G-A. GRCh37 (hg19) VCF-style: chr7-139719840-G-A.
Other names: c.1543G>A, p.Glu515Lys (NM_001130966.5); c.1681G>A, p.Glu561Lys (NM_001166253.4); c.1342G>A, p.Glu448Lys (NM_001166254.4); c.1486G>A, p.Glu496Lys (NM_001314028.4); c.1360G>A, p.Glu454Lys (NM_001366537.3); c.1380G>A, p.Ter460= (NM_030984.6); short protein forms E454K, E496K, E561K, E448K, E515K, E562K, E516K.
Identifiers: ClinVar variation 2283711 (VCV002283711.5), dbSNP rs199906594, ClinGen allele CA4512100.

ClinVar aggregate classification (germline): Uncertain significance. Review status: criteria provided, multiple submitters, no conflicts (2 of 4 stars). 2 submissions from 2 submitters: Uncertain significance (2). Last evaluated 2025-12-09.

Conditions:
Inborn genetic diseases. Identifiers: MedGen C0950123, MeSH D030342.

Allele frequency attached by ClinVar (database versions not stated): gnomAD 0.00002; ExAC 0.00003; ESP Exome Variant Server 0.00008; TOPMed 0.00004; gnomAD exomes 0.00002.
gnomAD v4.1: 33 of 1,613,548 alleles (0.002%); highest among the groups gnomAD compares: Non-Finnish European, 0.0025%; no homozygotes.

Submissions (2):

Ambry Genetics
Classification: Uncertain significance for Inborn genetic diseases. Last evaluated: 2025-12-09. Review status: criteria provided, single submitter. Criteria: Ambry Variant Classification Scheme 2023. Collection method: clinical testing. Allele origin: germline.

Women's Health and Genetics/Laboratory Corporation of America, LabCorp
Classification: Uncertain significance. Last evaluated: 2025-01-27. Review status: criteria provided, single submitter. Criteria: LabCorp Variant Classification Summary - May 2015. Collection method: clinical testing. Allele origin: germline.
Comment: Variant summary: TBXAS1 c.1543G>A (p.Glu515Lys) results in a conservative amino acid change in the encoded protein sequence. Four of five in-silico tools predict a benign effect of the variant on protein function. The variant allele was found at a frequency of 3.6e-05 in 251288 control chromosomes, predominantly at a frequency of 7e-05 within the Non-Finnish European subpopulation in the gnomAD database. The available data on variant occurrences in the general population are insufficient to allow any conclusion about variant significance. To our knowledge, no occurrence of c.1543G>A in individuals affected with Ghosal Hematodiaphyseal Dysplasia and no experimental evidence demonstrating its impact on protein function have been reported. ClinVar contains an entry for this variant (Variation ID: 2283711). Based on the evidence outlined above, the variant was classified as uncertain significance.